The following is an entry in ClinVar:

ClinVar aggregate classification (germline): Uncertain significance (1 of 4 stars; one submission).

Submission:

Labcorp Genetics (formerly Invitae), Labcorp
Classification: Uncertain significance. Last evaluated: 2021-05-09. Review status: criteria provided, single submitter. Criteria: Invitae Variant Classification Sherloc (09022015). Collection method: clinical testing. Allele origin: germline.
Comment: In summary, the available evidence is currently insufficient to determine the role of this variant in disease. Therefore, it has been classified as a Variant of Uncertain Significance. This sequence change replaces glutamic acid with glycine at codon 780 of the AP3B2 protein (p.Glu780Gly). The glutamic acid residue is moderately conserved and there is a moderate physicochemical difference between glutamic acid and glycine. This variant is not present in population databases (ExAC no frequency). This variant has not been reported in the literature in individuals with AP3B2-related conditions. Algorithms developed to predict the effect of missense changes on protein structure and function (SIFT, PolyPhen-2, Align-GVGD) all suggest that this variant is likely to be tolerated, but these predictions have not been confirmed by published functional studies and their clinical significance is uncertain.

NM_001278512.2(AP3B2):c.2396A>G (p.Glu799Gly)

Genes: AP3B2 (adaptor related protein complex 3 subunit beta 2; minus strand), CPEB1-AS1 (CPEB1 antisense RNA 1; plus strand). Cytogenetic location: 15q25.2.
Variant type: single nucleotide variant.
Coding change: c.2396A>G on transcript NM_001278512.2 (MANE Select); coding-DNA position 2396, A replaced by G.
Protein change: p.Glu799Gly; replaces glutamic acid 799 with glycine.
Molecular consequence: missense variant.
Genome position (GRCh38, 1-based): chr15:82,663,841, T>C on the plus strand (A>G on the coding strand, the complement: AP3B2 is on the minus strand). VCF-style: chr15-82663841-T-C. GRCh37 (hg19) VCF-style: chr15-83332593-T-C.
Other names: c.2243A>G, p.Glu748Gly (NM_001278511.2); c.2339A>G, p.Glu780Gly (NM_004644.5); short protein forms E748G, E780G, E799G.
Identifiers: ClinVar variation 1394263 (VCV001394263.8), dbSNP rs2151428545, ClinGen allele CA393310422.
Genomic context (GRCh38, chr15:82,663,841, plus strand): 5'-CTCTGCCCCAAGGCTCTCACTGTTTTCCTGCTCCAGGAGGCAGGTTCTAACTGCTCCTCC[T>C]CGGACTCCGATGTCATCTCGGACTCTGATGAGCTACTGCTGGAATCGCTGCCCTCATCAG-3'
Protein context (NP_001265441.1, residues 789-809): SSESEMTSES[Glu799Gly]EEQLEPASWS